The following is an entry in ClinVar:

NM_052947.4(ALPK2):c.4908A>T (p.Gln1636His)

Gene: ALPK2 (alpha kinase 2; minus strand). Cytogenetic location: 18q21.31.
Variant type: single nucleotide variant.
Coding change: c.4908A>T on transcript NM_052947.4 (MANE Select); coding-DNA position 4908, A replaced by T.
Protein change: p.Gln1636His; replaces glutamine 1636 with histidine.
Molecular consequence: missense variant.
Genome position (GRCh38, 1-based): chr18:58,535,279, T>A on the plus strand (A>T on the coding strand, the complement: ALPK2 is on the minus strand). VCF-style: chr18-58535279-T-A. GRCh37 (hg19) VCF-style: chr18-56202511-T-A.
Other names: short protein forms Q1636H.
Identifiers: ClinVar variation 2564122 (VCV002564122.2), dbSNP rs556551033, ClinGen allele CA402559279.

ClinVar aggregate classification (germline): Uncertain significance (1 of 4 stars; one submission).

Submission:

Ambry Genetics
Classification: Uncertain significance. Last evaluated: 2023-06-09. Review status: criteria provided, single submitter. Criteria: Ambry Variant Classification Scheme 2023. Collection method: clinical testing. Allele origin: germline.
Comment: The p.Q1636H variant (also known as c.4908A>T), located in coding exon 4 of the ALPK2 gene, results from an A to T substitution at nucleotide position 4908. The glutamine at codon 1636 is replaced by histidine, an amino acid with highly similar properties. This amino acid position is conserved. In addition, this alteration is predicted to be tolerated by in silico analysis. Since supporting evidence is limited at this time, the clinical significance of this alteration remains unclear.